The following is an entry in ClinVar:

ClinVar aggregate classification (germline): Uncertain significance (1 of 4 stars; one submission).

Conditions:
Hereditary cancer-predisposing syndrome. Also called: Hereditary Cancer Syndrome; Hereditary neoplastic syndrome; Neoplastic Syndromes, Hereditary; Tumor predisposition. Identifiers: Orphanet 140162, MedGen C0027672, MeSH D009386, MONDO:0015356.

Submission:

Ambry Genetics
Classification: Uncertain significance for Hereditary cancer-predisposing syndrome. Last evaluated: 2024-11-19. Review status: criteria provided, single submitter. Criteria: Ambry Variant Classification Scheme 2023. Collection method: clinical testing. Allele origin: germline.
Comment: The p.V512M variant (also known as c.1534G>A), located in coding exon 11 of the PTCH1 gene, results from a G to A substitution at nucleotide position 1534. The valine at codon 512 is replaced by methionine, an amino acid with highly similar properties. This amino acid position is highly conserved in available vertebrate species. In addition, this alteration is predicted to be deleterious by in silico analysis. Based on the available evidence, the clinical significance of this variant remains unclear.

NM_000264.5(PTCH1):c.1534G>A (p.Val512Met)

Gene: PTCH1 (patched 1; minus strand). Cytogenetic location: 9q22.32.
Variant type: single nucleotide variant.
Coding change: c.1534G>A on transcript NM_000264.5 (MANE Select); coding-DNA position 1534, G replaced by A.
Protein change: p.Val512Met; replaces valine 512 with methionine.
Molecular consequence: missense variant. On other transcripts: non-coding transcript variant (1).
Genome position (GRCh38, 1-based): chr9:95,476,827, C>T on the plus strand (G>A on the coding strand, the complement: PTCH1 is on the minus strand). VCF-style: chr9-95476827-C-T. GRCh37 (hg19) VCF-style: chr9-98239109-C-T.
Other names: c.1336G>A, p.Val446Met (NM_001083602.3); c.1531G>A, p.Val511Met (NM_001083603.3); c.1081G>A, p.Val361Met (NM_001083604.3, NM_001083605.3, NM_001083606.3 and 1 more transcripts); c.1378G>A, p.Val460Met (NM_001354918.2); short protein forms V511M, V361M, V460M, V446M, V512M.
Identifiers: ClinVar variation 1774697 (VCV001774697.3), dbSNP rs2118284253, ClinGen allele CA374118297.